The following is an entry in ClinVar:

NM_002661.5(PLCG2):c.2739+6C>T

Gene: PLCG2 (phospholipase C gamma 2; plus strand). Cytogenetic location: 16q23.3.
Variant type: single nucleotide variant.
Coding change: c.2739+6C>T on transcript NM_002661.5 (MANE Select); 6 bases into the intron after coding-DNA position 2739, C replaced by T.
Molecular consequence: intron variant.
Genome position (GRCh38, 1-based): chr16:81,931,660, C>T. VCF-style: chr16-81931660-C-T. GRCh37 (hg19) VCF-style: chr16-81965265-C-T.
Other names: c.2739+6C>T (NM_001425751.1, NM_001425749.1, NM_001425750.1).
Identifiers: ClinVar variation 3696866 (VCV003696866.2).

ClinVar aggregate classification (germline): Uncertain significance (1 of 4 stars; one submission).

Conditions:
Familial cold autoinflammatory syndrome 3 (FCAS3). Also called: FAMILIAL ATYPICAL COLD URTICARIA; ANTIBODY DEFICIENCY AND IMMUNE DYSREGULATION, PLCG2-ASSOCIATED. Identifiers: Orphanet 300359, MedGen C3280914, MONDO:0013766, OMIM 614468.

gnomAD v4.1: 1 of 1,612,396 alleles (0.000062%); highest among the groups gnomAD compares: Non-Finnish European, 0.000085%; no homozygotes.

Submission:

Labcorp Genetics (formerly Invitae), Labcorp
Classification: Uncertain significance for Familial cold autoinflammatory syndrome 3. Last evaluated: 2024-02-09. Review status: criteria provided, single submitter. Criteria: Invitae Variant Classification Sherloc (09022015). Collection method: clinical testing. Allele origin: germline.
Comment: This sequence change falls in intron 25 of the PLCG2 gene. It does not directly change the encoded amino acid sequence of the PLCG2 protein. It affects a nucleotide within the consensus splice site. This variant is not present in population databases (gnomAD no frequency). This variant has not been reported in the literature in individuals affected with PLCG2-related conditions. Variants that disrupt the consensus splice site are a relatively common cause of aberrant splicing (PMID: 17576681, 9536098). Algorithms developed to predict the effect of sequence changes on RNA splicing suggest that this variant is not likely to affect RNA splicing. In summary, the available evidence is currently insufficient to determine the role of this variant in disease. Therefore, it has been classified as a Variant of Uncertain Significance.

Literature cited by the submitters: PubMed 17576681; PubMed 9536098.